The following is an entry in ClinVar:

ClinVar aggregate classification (germline): Uncertain significance. Review status: criteria provided, multiple submitters, no conflicts (2 of 4 stars). 5 submissions from 5 submitters: Uncertain significance (5). Last evaluated 2025-09-10.

Conditions:
Acute lymphoid leukemia (ALL). Also called: Lymphoblastic leukemia; Acute lymphoblastic leukemia; Acute lymphocytic leukemia; Leukemia, acute lymphoblastic, somatic. Identifiers: Orphanet 513, MedGen C0023449, MONDO:0004967, OMIM 613065, HP:0006721.
Microcephaly, normal intelligence and immunodeficiency (NBS). Also called: BERLIN BREAKAGE SYNDROME; Ataxia telangiectasia variant V1; IMMUNODEFICIENCY, MICROCEPHALY, AND CHROMOSOMAL INSTABILITY; SEEMANOVA SYNDROME II; Nijmegen breakage syndrome; Microcephaly with normal intelligence immunodeficiency and lymphoreticular malignancies. Identifiers: Orphanet 647, MedGen C0398791, MONDO:0009623, OMIM 251260.
Aplastic anemia. Identifiers: Orphanet 182040, Orphanet 88, MedGen C0002874, MONDO:0015909, OMIM 609135, HP:0001915.
Hereditary cancer-predisposing syndrome. Also called: Hereditary Cancer Syndrome; Neoplastic Syndromes, Hereditary; Tumor predisposition; Hereditary neoplastic syndrome. Identifiers: Orphanet 140162, MedGen C0027672, MeSH D009386, MONDO:0015356.

Submissions (5):

Ambry Genetics
Classification: Uncertain significance for Hereditary cancer-predisposing syndrome. Last evaluated: 2025-09-10. Review status: criteria provided, single submitter. Criteria: Ambry Variant Classification Scheme 2023. Collection method: clinical testing. Allele origin: germline.
Comment: The p.P6L variant (also known as c.17C>T), located in coding exon 1 of the NBN gene, results from a C to T substitution at nucleotide position 17. The proline at codon 6 is replaced by leucine, an amino acid with similar properties. This amino acid position is highly conserved in available vertebrate species. In addition, this alteration is predicted to be tolerated by in silico analysis. Since supporting evidence is limited at this time, the clinical significance of this alteration remains unclear.

Baylor Genetics
Classification: Uncertain significance for Aplastic anemia. Last evaluated: 2023-12-01. Review status: criteria provided, single submitter. Criteria: ACMG Guidelines, 2015. Collection method: clinical testing. Allele origin: unknown.

Labcorp Genetics (formerly Invitae), Labcorp
Classification: Uncertain significance for Microcephaly, normal intelligence and immunodeficiency. Last evaluated: 2022-11-27. Review status: criteria provided, single submitter. Criteria: Invitae Variant Classification Sherloc (09022015). Collection method: clinical testing. Allele origin: germline.
Comment: This variant has not been reported in the literature in individuals affected with NBN-related conditions. In summary, the available evidence is currently insufficient to determine the role of this variant in disease. Therefore, it has been classified as a Variant of Uncertain Significance. Algorithms developed to predict the effect of missense changes on protein structure and function are either unavailable or do not agree on the potential impact of this missense change (SIFT: "Tolerated"; PolyPhen-2: "Possibly Damaging"; Align-GVGD: "Class C0"). ClinVar contains an entry for this variant (Variation ID: 230177). This variant is not present in population databases (gnomAD no frequency). This sequence change replaces proline, which is neutral and non-polar, with leucine, which is neutral and non-polar, at codon 6 of the NBN protein (p.Pro6Leu).

Genome-Nilou Lab
Classification: Uncertain significance for Microcephaly, normal intelligence and immunodeficiency. Last evaluated: 2021-11-07. Review status: criteria provided, single submitter. Criteria: ACMG Guidelines, 2015. Collection method: clinical testing. Allele origin: germline. Affected: no.

Department of Pathology and Laboratory Medicine, Sinai Health System
Classification: Uncertain significance for Microcephaly, normal intelligence and immunodeficiency; Aplastic anemia; Acute lymphoid leukemia. Last evaluated: 2021-02-12. Review status: criteria provided, single submitter. Criteria: ACMG Guidelines, 2015. Collection method: clinical testing. Allele origin: germline. Affected: no.

NM_002485.5(NBN):c.17C>T (p.Pro6Leu)

Gene: NBN (nibrin; minus strand). Cytogenetic location: 8q21.3.
Variant type: single nucleotide variant.
Coding change: c.17C>T on transcript NM_002485.5 (MANE Select); coding-DNA position 17, C replaced by T.
Protein change: p.Pro6Leu; replaces proline 6 with leucine.
Molecular consequence: missense variant. On other transcripts: 5 prime UTR variant (1).
Genome position (GRCh38, 1-based): chr8:89,984,545, G>A on the plus strand (C>T on the coding strand, the complement: NBN is on the minus strand). VCF-style: chr8-89984545-G-A. GRCh37 (hg19) VCF-style: chr8-90996773-G-A.
Other names: c.-280C>T (NM_001024688.3); short protein forms P6L.
Identifiers: ClinVar variation 230177 (VCV000230177.17), dbSNP rs876658432, ClinGen allele CA10578821.